The following is an entry in ClinVar:

ClinVar aggregate classification (germline): Uncertain significance. Review status: criteria provided, multiple submitters, no conflicts (2 of 4 stars). 2 submissions from 2 submitters: Uncertain significance (2). Last evaluated 2022-10-07.

Conditions:
Inborn genetic diseases. Identifiers: MedGen C0950123, MeSH D030342.

Allele frequency attached by ClinVar (database versions not stated): gnomAD exomes 0.00005; ExAC 0.00007; TOPMed 0.00011; gnomAD 0.00014; 1000 Genomes Project 30x 0.00016; 1000 Genomes Project 0.00020; ESP Exome Variant Server 0.00031.
gnomAD v4.1: 118 of 1,613,294 alleles (0.0073%); highest among the groups gnomAD compares: South Asian, 0.059%; 1 homozygote.

Submissions (2):

Labcorp Genetics (formerly Invitae), Labcorp
Classification: Uncertain significance. Last evaluated: 2022-10-07. Review status: criteria provided, single submitter. Criteria: Invitae Variant Classification Sherloc (09022015). Collection method: clinical testing. Allele origin: germline.
Comment: This sequence change replaces valine, which is neutral and non-polar, with isoleucine, which is neutral and non-polar, at codon 983 of the OBSL1 protein (p.Val983Ile). This variant is present in population databases (rs373898297, gnomAD 0.04%). This variant has not been reported in the literature in individuals affected with OBSL1-related conditions. Algorithms developed to predict the effect of missense changes on protein structure and function output the following: SIFT: "Tolerated"; PolyPhen-2: "Benign"; Align-GVGD: "Class C0". The isoleucine amino acid residue is found in multiple mammalian species, which suggests that this missense change does not adversely affect protein function. In summary, the available evidence is currently insufficient to determine the role of this variant in disease. Therefore, it has been classified as a Variant of Uncertain Significance.

Ambry Genetics
Classification: Uncertain significance for Inborn genetic diseases. Last evaluated: 2021-10-06. Review status: criteria provided, single submitter. Criteria: Ambry Variant Classification Scheme 2023. Collection method: clinical testing. Allele origin: germline.

NM_015311.3(OBSL1):c.2947G>A (p.Val983Ile)

Gene: OBSL1 (obscurin like cytoskeletal adaptor 1; minus strand). Cytogenetic location: 2q35.
Variant type: single nucleotide variant.
Coding change: c.2947G>A on transcript NM_015311.3 (MANE Select); coding-DNA position 2947, G replaced by A.
Protein change: p.Val983Ile; replaces valine 983 with isoleucine.
Molecular consequence: missense variant.
Genome position (GRCh38, 1-based): chr2:219,562,408, C>T on the plus strand (G>A on the coding strand, the complement: OBSL1 is on the minus strand). VCF-style: chr2-219562408-C-T. GRCh37 (hg19) VCF-style: chr2-220427130-C-T.
Other names: c.2947G>A, p.Val983Ile (NM_001173408.2, NM_001173431.2); c.2947G>A (NM_015311.2); short protein forms V983I.
Identifiers: ClinVar variation 2140148 (VCV002140148.2), dbSNP rs373898297, ClinGen allele CA2131050.